The following is an entry in ClinVar:

ClinVar aggregate classification (germline): Pathogenic/Likely pathogenic. Review status: criteria provided, multiple submitters, no conflicts (2 of 4 stars). 2 submissions from 2 submitters: Pathogenic (1); Likely pathogenic (1). Last evaluated 2025-12-05.

Conditions:
Telangiectasia, hereditary hemorrhagic, type 5 (HHT5). Identifiers: Orphanet 774, MedGen C3809710, MONDO:0014217, OMIM 615506.
GDF2-related vasculopathy.

Submissions (2):

Rady Children's Institute for Genomic Medicine, Rady Children's Hospital San Diego
Classification: Likely pathogenic for GDF2-related vasculopathy. Last evaluated: 2025-12-05. Review status: criteria provided, single submitter. Criteria: ACMG Guidelines, 2015. Collection method: clinical testing. Allele origin: germline. Affected: yes.
Comment: This nonsense variant is found in the last exon of GDF2, therefore the resulting mRNA is predicted to escape nonsense-mediated decay. However, loss-of-function variants located downstream of this variant have been reported as disease-causing variants in the literature (PMID: 33834622, 30578397, 31727138). Loss-of-function variation in GDF2 is an established mechanism of disease (PMID: 33834622, 31661308). This variant has not been previously reported or functionally characterized in the literature to our knowledge; however, a different nonsense variant at the same amino acid, c.642G>A (p.Trp214Ter), has been reported as a heterozygous change in a patient with pulmonary arterial hypertension (PMID: 34199176, 33007923). The c.641G>A (p.Trp214Ter) variant is absent from the latest version of the gnomAD population database and thus is presumed to be rare. Based on the available evidence, c.641G>A (p.Trp214Ter) is classified as Likely Pathogenic.

Labcorp Genetics (formerly Invitae), Labcorp
Classification: Pathogenic for Telangiectasia, hereditary hemorrhagic, type 5. Last evaluated: 2025-02-03. Review status: criteria provided, single submitter. Criteria: Invitae Variant Classification Sherloc (09022015). Collection method: clinical testing. Allele origin: germline.
Comment: This sequence change creates a premature translational stop signal (p.Trp214*) in the GDF2 gene. While this is not anticipated to result in nonsense mediated decay, it is expected to disrupt the last 216 amino acid(s) of the GDF2 protein. This variant is not present in population databases (gnomAD no frequency). This premature translational stop signal has been observed in individual(s) with pulmonary arterial hypertension (PMID: 34199176). ClinVar contains an entry for this variant (Variation ID: 3003292). This variant disrupts a region of the GDF2 protein in which other variant(s) (p.Tyr351His) have been determined to be pathogenic (PMID: 31661308; internal data). This suggests that this is a clinically significant region of the protein, and that variants that disrupt it are likely to be disease-causing. For these reasons, this variant has been classified as Pathogenic.

Literature cited by the submitters: PubMed 33834622 (cited by Rady Children's Institute for Genomic Medicine, Rady Children's Hospital San Diego); PubMed 30578397 (cited by Rady Children's Institute for Genomic Medicine, Rady Children's Hospital San Diego); PubMed 31727138 (cited by Rady Children's Institute for Genomic Medicine, Rady Children's Hospital San Diego); PubMed 31661308 (cited by Rady Children's Institute for Genomic Medicine, Rady Children's Hospital San Diego and Labcorp Genetics (formerly Invitae), Labcorp); PubMed 34199176 (cited by Rady Children's Institute for Genomic Medicine, Rady Children's Hospital San Diego and Labcorp Genetics (formerly Invitae), Labcorp); PubMed 33007923 (cited by Rady Children's Institute for Genomic Medicine, Rady Children's Hospital San Diego).

NM_016204.4(GDF2):c.641G>A (p.Trp214Ter)

Gene: GDF2 (growth differentiation factor 2; plus strand). Cytogenetic location: 10q11.22.
Variant type: single nucleotide variant.
Coding change: c.641G>A on transcript NM_016204.4 (MANE Select); coding-DNA position 641, G replaced by A.
Protein change: p.Trp214Ter; replaces tryptophan 214 with a stop codon.
Molecular consequence: nonsense.
Genome position (GRCh38, 1-based): chr10:47,325,135, G>A. VCF-style: chr10-47325135-G-A. GRCh37 (hg19) VCF-style: chr10-48414227-C-T.
Other names: short protein forms W214*.
Identifiers: ClinVar variation 3003292 (VCV003003292.4), dbSNP rs2549019672, ClinGen allele CA376655616.